The following is an entry in ClinVar:

NM_004646.4(NPHS1):c.795C>A (p.Cys265Ter)

Gene: NPHS1 (NPHS1 adhesion molecule, nephrin; minus strand). Cytogenetic location: 19q13.12.
Variant type: single nucleotide variant.
Coding change: c.795C>A on transcript NM_004646.4 (MANE Select); coding-DNA position 795, C replaced by A.
Protein change: p.Cys265Ter; replaces cysteine 265 with a stop codon.
Molecular consequence: nonsense.
Genome position (GRCh38, 1-based): chr19:35,849,281, G>T on the plus strand (C>A on the coding strand, the complement: NPHS1 is on the minus strand). VCF-style: chr19-35849281-G-T. GRCh37 (hg19) VCF-style: chr19-36340183-G-T.
Other names: short protein forms C265*.
Identifiers: ClinVar variation 1459549 (VCV001459549.8), dbSNP rs779099247, ClinGen allele CA405407079.

ClinVar aggregate classification (germline): Pathogenic/Likely pathogenic. Review status: criteria provided, multiple submitters, no conflicts (2 of 4 stars). 3 submissions from 3 submitters: Pathogenic (2); Likely pathogenic (1). Last evaluated 2024-05-08.

Conditions:
Finnish congenital nephrotic syndrome (NPHS1). Also called: NEPHROTIC SYNDROME, TYPE 1. Identifiers: Orphanet 839, MedGen C0403399, MONDO:0009732, OMIM 256300.

Submissions (3):

Myriad Genetics, Inc.
Classification: Pathogenic for Finnish congenital nephrotic syndrome. Last evaluated: 2024-05-08. Review status: criteria provided, single submitter. Criteria: Myriad Autosomal Dominant, Autosomal Recessive and X-Linked Classification Criteria (2023). Collection method: clinical testing. Allele origin: unknown.
Comment: NM_004646.3(NPHS1):c.795C>A(C265*) is expected to be pathogenic in the context of nephrotic syndrome, NPHS1-related. This variant is predicted to lead to an abnormal or absent protein product due to the creation of a premature termination codon in NPHS1, a gene where loss-of-function variants are known to be pathogenic. Please note: this variant was assessed in the context of healthy population screening.

Neuberg Centre For Genomic Medicine, NCGM
Classification: Likely pathogenic for Finnish congenital nephrotic syndrome. Last evaluated: 2023-07-22. Review status: criteria provided, single submitter. Criteria: ACMG Guidelines, 2015. Collection method: clinical testing. Allele origin: germline. Inheritance: Autosomal recessive inheritance. Affected: yes.
Comment: The stop gained variant c.795C>A p.Cys265Ter in the NPHS1 gene has not been reported previously as a pathogenic variant nor as a benign variant, to our knowledge. The variant is absent in the gnomAD Exomes. It has been submitted to ClinVar as Pathogenic. This variant is predicted to cause a loss of normal protein function through protein truncation. Loss of function variants has been previously reported to be disease causing Zhang et al., 2020. For these reasons, this variant has been classified as Likely Pathogenic.

Labcorp Genetics (formerly Invitae), Labcorp
Classification: Pathogenic. Last evaluated: 2021-03-06. Review status: criteria provided, single submitter. Criteria: Invitae Variant Classification Sherloc (09022015). Collection method: clinical testing. Allele origin: germline.
Comment: This sequence change creates a premature translational stop signal (p.Cys265*) in the NPHS1 gene. It is expected to result in an absent or disrupted protein product. Loss-of-function variants in NPHS1 are known to be pathogenic (PMID: 11317351, 11854170, 12039988). This variant is not present in population databases (ExAC no frequency). This variant has not been reported in the literature in individuals with NPHS1-related conditions. Algorithms developed to predict the effect of sequence changes on RNA splicing suggest that this variant may create or strengthen a splice site, but this prediction has not been confirmed by published transcriptional studies. For these reasons, this variant has been classified as Pathogenic.

Literature cited by the submitters: PubMed 11317351 (cited by Labcorp Genetics (formerly Invitae), Labcorp); PubMed 11854170 (cited by Labcorp Genetics (formerly Invitae), Labcorp); PubMed 12039988 (cited by Labcorp Genetics (formerly Invitae), Labcorp).